The following is an entry in ClinVar:

ClinVar aggregate classification (germline): Uncertain significance. Review status: criteria provided, multiple submitters, no conflicts (2 of 4 stars). 4 submissions from 4 submitters: Uncertain significance (4). Last evaluated 2024-06-27.

Conditions:
Inborn genetic diseases. Identifiers: MedGen C0950123, MeSH D030342.
Nephronophthisis. Also called: Juvenile Nephronophthisis. Identifiers: Orphanet 655, MedGen C0687120, MONDO:0019005, HP:0000090.
Nephronophthisis 4 (NPHP4). Also called: NEPHRONOPHTHISIS 4, JUVENILE. Identifiers: Orphanet 655, MedGen C1847013, MONDO:0011752, OMIM 606966.
Senior-Loken syndrome 4 (SLSN4). Identifiers: Orphanet 3156, MedGen C1846979, MONDO:0011756, OMIM 606996.

Allele frequency attached by ClinVar (database versions not stated): gnomAD 0.00001 and 0.00003; gnomAD exomes 0.00003 and 0.00004; ExAC 0.00004; TOPMed 0.00004; 1000 Genomes Project 30x 0.00031; 1000 Genomes Project 0.00040.
gnomAD v4.1: 49 of 1,606,184 alleles (0.0031%); highest among the groups gnomAD compares: South Asian, 0.026%; 1 homozygote.

Submissions (4):

Blueprint Genetics
Classification: Uncertain significance. Last evaluated: 2024-06-27. Review status: criteria provided, single submitter. Criteria: ACMG Guidelines, 2015. Collection method: clinical testing. Allele origin: germline.

Labcorp Genetics (formerly Invitae), Labcorp
Classification: Uncertain significance for Nephronophthisis. Last evaluated: 2024-02-24. Review status: criteria provided, single submitter. Criteria: Invitae Variant Classification Sherloc (09022015). Collection method: clinical testing. Allele origin: germline.
Comment: This sequence change replaces arginine, which is basic and polar, with histidine, which is basic and polar, at codon 1235 of the NPHP4 protein (p.Arg1235His). This variant is present in population databases (rs569553635, gnomAD 0.02%). This variant has not been reported in the literature in individuals affected with NPHP4-related conditions. ClinVar contains an entry for this variant (Variation ID: 835062). Advanced modeling of protein sequence and biophysical properties (such as structural, functional, and spatial information, amino acid conservation, physicochemical variation, residue mobility, and thermodynamic stability) performed at Invitae indicates that this missense variant is expected to disrupt NPHP4 protein function with a positive predictive value of 80%. In summary, the available evidence is currently insufficient to determine the role of this variant in disease. Therefore, it has been classified as a Variant of Uncertain Significance.

Ambry Genetics
Classification: Uncertain significance for Inborn genetic diseases. Last evaluated: 2024-01-17. Review status: criteria provided, single submitter. Criteria: Ambry Variant Classification Scheme 2023. Collection method: clinical testing. Allele origin: germline.

Fulgent Genetics
Classification: Uncertain significance for Nephronophthisis 4; Senior-Loken syndrome 4. Last evaluated: 2024-01-03. Review status: criteria provided, single submitter. Criteria: ACMG Guidelines, 2015. Collection method: clinical testing. Allele origin: germline.

NM_015102.5(NPHP4):c.3704G>A (p.Arg1235His)

Gene: NPHP4 (nephrocystin 4; minus strand). Cytogenetic location: 1p36.31.
Variant type: single nucleotide variant.
Coding change: c.3704G>A on transcript NM_015102.5 (MANE Select); coding-DNA position 3704, G replaced by A.
Protein change: p.Arg1235His; replaces arginine 1235 with histidine.
Molecular consequence: missense variant. On other transcripts: non-coding transcript variant (1).
Genome position (GRCh38, 1-based): chr1:5,865,214, C>T on the plus strand (G>A on the coding strand, the complement: NPHP4 is on the minus strand). VCF-style: chr1-5865214-C-T. GRCh37 (hg19) VCF-style: chr1-5925274-C-T.
Other names: c.2165G>A, p.Arg722His (NM_001291593.2); c.2168G>A, p.Arg723His (NM_001291594.2); short protein forms R1235H, R723H, R722H.
Identifiers: ClinVar variation 835062 (VCV000835062.14), dbSNP rs569553635, ClinGen allele CA553495.
Genomic context (GRCh38, chr1:5,865,214, plus strand): 5'-GTCCCCCGAAGGACAAGGGACAGGCGGGTCAGCTGGCCTGCGACGCAGGAGACATCCACG[C>T]GCTGCAGGGAGTGGAGGTAGACCTGCCACGTCTGTGTGGGTGTCGCCAGCCAGCGATCCC-3'
Protein context (NP_055917.1, residues 1225-1245): TWQVYLHSLQ[Arg1235His]VDVSCVAGQL